The following is an entry in ClinVar:

ClinVar aggregate classification (germline): Uncertain significance (1 of 4 stars; one submission).

gnomAD v4.1: 3 of 1,613,772 alleles (0.00019%); highest among the groups gnomAD compares: Non-Finnish European, 0.00025%; no homozygotes.

Submission:

Labcorp Genetics (formerly Invitae), Labcorp
Classification: Uncertain significance. Last evaluated: 2024-07-23. Review status: criteria provided, single submitter. Criteria: Invitae Variant Classification Sherloc (09022015). Collection method: clinical testing. Allele origin: germline.
Comment: This sequence change replaces isoleucine, which is neutral and non-polar, with valine, which is neutral and non-polar, at codon 1377 of the CACNA1D protein (p.Ile1377Val). This variant is present in population databases (no rsID available, gnomAD 0.007%). This variant has not been reported in the literature in individuals affected with CACNA1D-related conditions. Advanced modeling of protein sequence and biophysical properties (such as structural, functional, and spatial information, amino acid conservation, physicochemical variation, residue mobility, and thermodynamic stability) has been performed at Invitae for this missense variant, however the output from this modeling did not meet the statistical confidence thresholds required to predict the impact of this variant on CACNA1D protein function. In summary, the available evidence is currently insufficient to determine the role of this variant in disease. Therefore, it has been classified as a Variant of Uncertain Significance.

NM_001128840.3(CACNA1D):c.4069A>G (p.Ile1357Val)

Gene: CACNA1D (calcium voltage-gated channel subunit alpha1 D; plus strand). Cytogenetic location: 3p21.1.
Variant type: single nucleotide variant.
Coding change: c.4069A>G on transcript NM_001128840.3 (MANE Select); coding-DNA position 4069, A replaced by G.
Protein change: p.Ile1357Val; replaces isoleucine 1357 with valine.
Molecular consequence: missense variant.
Genome position (GRCh38, 1-based): chr3:53,772,857, A>G. VCF-style: chr3-53772857-A-G. GRCh37 (hg19) VCF-style: chr3-53806884-A-G.
Other names: c.4129A>G, p.Ile1377Val (NM_000720.4); c.4024A>G, p.Ile1342Val (NM_001128839.3); short protein forms I1357V, I1342V, I1377V.
Identifiers: ClinVar variation 3678071 (VCV003678071.2).
Genomic context (GRCh38, chr3:53,772,857, plus strand): 5'-CGGCTGGTGCTGAGCCAAGTGCCTTTTCTCTCCCAGGCGCTCCCGTATGTGGCCCTCCTC[A>G]TAGCCATGCTGTTCTTCATCTATGCGGTCATTGGCATGCAGGTAAGCTCCAGCCATCTCG-3'
Protein context (NP_001122312.1, residues 1347-1367): FQALPYVALL[Ile1357Val]AMLFFIYAVI